The following is an entry in ClinVar:

ClinVar aggregate classification (germline): Uncertain significance (1 of 4 stars; one submission).

Conditions:
Dilated cardiomyopathy 1G (CMD1G). Identifiers: Orphanet 154, MedGen C1858763, MONDO:0011400, OMIM 604145.
Autosomal recessive limb-girdle muscular dystrophy type 2J (LGMDR10). Also called: Limb-girdle muscular dystrophy, type 2J; MUSCULAR DYSTROPHY, LIMB-GIRDLE, AUTOSOMAL RECESSIVE 10. Identifiers: Orphanet 140922, MedGen C1837342, MONDO:0012127, OMIM 608807.

Submission:

Labcorp Genetics (formerly Invitae), Labcorp
Classification: Uncertain significance for Dilated cardiomyopathy 1G; Autosomal recessive limb-girdle muscular dystrophy type 2J. Last evaluated: 2024-12-31. Review status: criteria provided, single submitter. Criteria: Invitae Variant Classification Sherloc (09022015). Collection method: clinical testing. Allele origin: germline.
Comment: This sequence change replaces aspartic acid, which is acidic and polar, with glutamic acid, which is acidic and polar, at codon 34198 of the TTN protein (p.Asp34198Glu). This variant is present in population databases (rs778876835, gnomAD 0.0009%). This variant has not been reported in the literature in individuals affected with TTN-related conditions. Experimental studies and prediction algorithms are not available or were not evaluated, and the functional significance of this variant is currently unknown. This variant is located in the M band of TTN (PMID: 25589632). Non-truncating variants in this region may be relevant for neuromuscular disorders, but have not been definitively shown to cause cardiomyopathy (PMID: 23975875). In summary, the available evidence is currently insufficient to determine the role of this variant in disease. Therefore, it has been classified as a Variant of Uncertain Significance.

Literature cited by the submitters: PubMed 25589632; PubMed 23975875.

NM_001267550.2(TTN):c.102594C>G (p.Asp34198Glu)

Genes: TTN-AS1 (TTN antisense RNA 1; plus strand), TTN (titin; minus strand). Cytogenetic location: 2q31.2.
Variant type: single nucleotide variant.
Coding change: c.102594C>G on transcript NM_001267550.2 (MANE Select); coding-DNA position 102594, C replaced by G.
Protein change: p.Asp34198Glu; replaces aspartic acid 34198 with glutamic acid.
Molecular consequence: missense variant.
Genome position (GRCh38, 1-based): chr2:178,534,021, G>C on the plus strand (C>G on the coding strand, the complement: TTN is on the minus strand). VCF-style: chr2-178534021-G-C. GRCh37 (hg19) VCF-style: chr2-179398748-G-C.
Other names: c.97671C>G, p.Asp32557Glu (NM_001256850.1); c.75399C>G, p.Asp25133Glu (NM_003319.4); c.94890C>G, p.Asp31630Glu (NM_133378.4); c.75774C>G, p.Asp25258Glu (NM_133432.3); c.75975C>G, p.Asp25325Glu (NM_133437.4); short protein forms D25133E, D25258E, D25325E, D31630E, D32557E, D34198E.
Identifiers: ClinVar variation 3749195 (VCV003749195.2).